The following is an entry in ClinVar:

Conditions:
Breast-ovarian cancer, familial, susceptibility to, 1 (BROVCA1). Also called: BRCA1 Hereditary Breast and Ovarian Cancer; OVARIAN CANCER, SUSCEPTIBILITY TO. Identifiers: Orphanet 145, MedGen C2676676, MONDO:0011450, OMIM 604370. Disease mechanism: loss of function.

Submission:

Brotman Baty Institute, University of Washington
No classification provided (evidence only). Condition: Breast-ovarian cancer, familial 1. Review status: no classification provided. Collection method: in vitro. Allele origin: not applicable. Functional consequence: functionally_abnormal.
ClinVar note: "not provided" was previously submitted as the classification for the variant. However, the classification appeared to be based only on an observation of functional data so it was converted to no classification on 2025-07-30.

NM_007294.4(BRCA1):c.5105A>C (p.Lys1702Thr)

Gene: BRCA1 (BRCA1 DNA repair associated; minus strand). Cytogenetic location: 17q21.31.
Variant type: single nucleotide variant.
Coding change: c.5105A>C on transcript NM_007294.4 (MANE Select); coding-DNA position 5105, A replaced by C.
Protein change: p.Lys1702Thr; replaces lysine 1702 with threonine.
Molecular consequence: missense variant. On other transcripts: non-coding transcript variant (1).
Genome position (GRCh38, 1-based): chr17:43,063,921, T>G on the plus strand (A>C on the coding strand, the complement: BRCA1 is on the minus strand). VCF-style: chr17-43063921-T-G. GRCh37 (hg19) VCF-style: chr17-41215938-T-G.
Other names: c.1793A>C, p.Lys598Thr (NM_007304.2, NM_001407979.1, NM_001407980.1 and 13 more transcripts); c.4892A>C, p.Lys1631Thr (NM_001407571.1, NM_001407894.1, NM_001407895.1 and 12 more transcripts); c.5171A>C, p.Lys1724Thr (NM_001407581.1, NM_001407582.1); c.5168A>C, p.Lys1723Thr (NM_001407583.1, NM_001407585.1, NM_001407587.1 and 1 more transcripts); c.5165A>C, p.Lys1722Thr (NM_001407590.1, NM_001407591.1); c.5105A>C, p.Lys1702Thr (NM_001407593.1, NM_001407594.1, NM_001407596.1 and 7 more transcripts); c.5102A>C, p.Lys1701Thr (NM_001407618.1, NM_001407619.1, NM_001407620.1 and 17 more transcripts); c.5099A>C, p.Lys1700Thr (NM_001407637.1, NM_001407638.1, NM_001407639.1 and 14 more transcripts); and 71 more; short protein forms K1655T, K1702T, K1723T, K598T, K1575T, K1612T, K1630T, K1635T.
Identifiers: ClinVar variation 868650 (VCV000868650.3), dbSNP rs2051924695, ClinGen allele CA10591320.